The following is an entry in ClinVar:

ClinVar aggregate classification (germline): Uncertain significance. Review status: criteria provided, multiple submitters, no conflicts (2 of 4 stars). 2 submissions from 2 submitters: Uncertain significance (2). Last evaluated 2023-10-17.

Conditions:
Arrhythmogenic right ventricular dysplasia 10. Also called: Arrhythmogenic right ventricular dysplasia/cardiomyopathy, type 10; ARRHYTHMOGENIC RIGHT VENTRICULAR DYSPLASIA, FAMILIAL, 10; Arrhythmogenic Right Ventricular Dysplasia/Cardiomyopathy10. Identifiers: MedGen C1857777, MONDO:0012434, OMIM 610193.
Cardiomyopathy (CMYO). Also called: Cardiomyopathies. Identifiers: Orphanet 167848, MedGen C0878544, MONDO:0004994, HP:0001638. Inheritance: Various modes of inheritance.

Submissions (2):

Labcorp Genetics (formerly Invitae), Labcorp
Classification: Uncertain significance for Arrhythmogenic right ventricular dysplasia 10. Last evaluated: 2023-10-17. Review status: criteria provided, single submitter. Criteria: Invitae Variant Classification Sherloc (09022015). Collection method: clinical testing. Allele origin: germline.
Comment: This sequence change replaces serine, which is neutral and polar, with isoleucine, which is neutral and non-polar, at codon 553 of the DSG2 protein (p.Ser553Ile). This variant is not present in population databases (gnomAD no frequency). This variant has not been reported in the literature in individuals affected with DSG2-related conditions. ClinVar contains an entry for this variant (Variation ID: 626839). Advanced modeling of protein sequence and biophysical properties (such as structural, functional, and spatial information, amino acid conservation, physicochemical variation, residue mobility, and thermodynamic stability) performed at Invitae indicates that this missense variant is not expected to disrupt DSG2 protein function. In summary, the available evidence is currently insufficient to determine the role of this variant in disease. Therefore, it has been classified as a Variant of Uncertain Significance.

CHEO Genetics Diagnostic Laboratory, Children's Hospital of Eastern Ontario
Classification: Uncertain significance for Cardiomyopathy. Last evaluated: 2015-12-10. Review status: criteria provided, single submitter. Criteria: ACMG Guidelines, 2015. Collection method: clinical testing. Allele origin: germline. Study: Canadian Open Genetics Repository.

NM_001943.5(DSG2):c.1658G>T (p.Ser553Ile)

Gene: DSG2 (desmoglein 2; plus strand). Cytogenetic location: 18q12.1.
Variant type: single nucleotide variant.
Coding change: c.1658G>T on transcript NM_001943.5 (MANE Select); coding-DNA position 1658, G replaced by T.
Protein change: p.Ser553Ile; replaces serine 553 with isoleucine.
Molecular consequence: missense variant.
Genome position (GRCh38, 1-based): chr18:31,538,757, G>T. VCF-style: chr18-31538757-G-T. GRCh37 (hg19) VCF-style: chr18-29118720-G-T.
Other names: short protein forms S553I.
Identifiers: ClinVar variation 626839 (VCV000626839.5), dbSNP rs1567931587, ClinGen allele CA402136780.
Genomic context (GRCh38, chr18:31,538,757, plus strand): 5'-CCTCATCCTTGGTAATCGTTCGTTTTTATTTCCTTCTGCCTCCCAACCTTGTAGGTACCA[G>T]TGTGCTGCTGCAACAAAGTGAGAAAAAGCTTGGGAGAAGTGAAATTCAGTTCCTGATTTC-3'
Protein context (NP_001934.2, residues 543-563): KWKIARQEST[Ser553Ile]VLLQQSEKKL